The following is an entry in ClinVar:

ClinVar aggregate classification (germline): Uncertain significance (1 of 4 stars; one submission).

Conditions:
Autosomal recessive nonsyndromic hearing loss 7. Also called: DEAFNESS, AUTOSOMAL RECESSIVE 11. Identifiers: Orphanet 90636, MedGen C1832978, MONDO:0010967, OMIM 600974.
Autosomal dominant nonsyndromic hearing loss 36. Identifiers: Orphanet 90635, MedGen C1847626, MONDO:0011708, OMIM 606705.

Submission:

Juno Genomics, Hangzhou Juno Genomics, Inc
Classification: Uncertain significance for Autosomal dominant nonsyndromic hearing loss 36; Autosomal recessive nonsyndromic hearing loss 7. Review status: criteria provided, single submitter. Criteria: ACMG Guidelines, 2015. Collection method: clinical testing. Allele origin: germline. Affected: yes.
Comment: Absent from controls (or at extremely low frequency if recessive) in Genome Aggregation Database, Exome Sequencing Project, 1000 Genomes Project, or Exome Aggregation Consortium.;For recessive disorders, detected in trans with a pathogenic variant.

NM_138691.3(TMC1):c.1642T>C (p.Cys548Arg)

Gene: TMC1 (transmembrane channel like 1; plus strand). Cytogenetic location: 9q21.13.
Variant type: single nucleotide variant.
Coding change: c.1642T>C on transcript NM_138691.3 (MANE Select); coding-DNA position 1642, T replaced by C.
Protein change: p.Cys548Arg; replaces cysteine 548 with arginine.
Molecular consequence: missense variant.
Genome position (GRCh38, 1-based): chr9:72,805,457, T>C. VCF-style: chr9-72805457-T-C. GRCh37 (hg19) VCF-style: chr9-75420373-T-C.
Other names: short protein forms C548R.
Identifiers: ClinVar variation 4531226 (VCV004531226.1).
Genomic context (GRCh38, chr9:72,805,457, plus strand): 5'-ACAGTCTCTGATGTTCTGACCACCTACGTCACAATCCTCATTGGGGACTTTCTAAGGGCA[T>C]GTTTTGTGAGGTTTTGCAATTATTGCTGGTGCTGGGACTTGGAGTATGGATATGTAAGTA-3'
Protein context (NP_619636.2, residues 538-558): TILIGDFLRA[Cys548Arg]FVRFCNYCWC